The following is an entry in ClinVar:

NM_020911.2(PLXNA4):c.3175G>T (p.Ala1059Ser)

Gene: PLXNA4 (plexin A4; minus strand). Cytogenetic location: 7q32.3.
Variant type: single nucleotide variant.
Coding change: c.3175G>T on transcript NM_020911.2 (MANE Select); coding-DNA position 3175, G replaced by T.
Protein change: p.Ala1059Ser; replaces alanine 1059 with serine.
Molecular consequence: missense variant.
Genome position (GRCh38, 1-based): chr7:132,182,174, C>A on the plus strand (G>T on the coding strand, the complement: PLXNA4 is on the minus strand). VCF-style: chr7-132182174-C-A. GRCh37 (hg19) VCF-style: chr7-131866933-C-A.
Other names: c.3175G>T, p.Ala1059Ser (NM_001393897.1); short protein forms A1059S.
Identifiers: ClinVar variation 3348816 (VCV003348816.1).

ClinVar aggregate classification (germline): Uncertain significance (0 of 4 stars; one submission).

Conditions:
PLXNA4-related disorder. Also called: PLXNA4-related condition.

gnomAD v4.1: 63 of 1,614,028 alleles (0.0039%); highest among the groups gnomAD compares: South Asian, 0.06%; no homozygotes.

Submission:

PreventionGenetics, part of Exact Sciences
Classification: Uncertain significance for PLXNA4-related condition. Last evaluated: 2024-03-06. Review status: no assertion criteria provided. Collection method: clinical testing. Allele origin: germline.
Comment: The PLXNA4 c.3175G>T variant is predicted to result in the amino acid substitution p.Ala1059Ser. To our knowledge, this variant has not been reported in the literature. This variant is reported in 0.036% of alleles in individuals of South Asian descent in gnomAD. At this time, the clinical significance of this variant is uncertain due to the absence of conclusive functional and genetic evidence.